The following is an entry in ClinVar:

NM_001199138.2(NLRC4):c.1975T>A (p.Phe659Ile)

Gene: NLRC4 (NLR family CARD domain containing 4; minus strand). Cytogenetic location: 2p22.3.
Variant type: single nucleotide variant.
Coding change: c.1975T>A on transcript NM_001199138.2 (MANE Select); coding-DNA position 1975, T replaced by A.
Protein change: p.Phe659Ile; replaces phenylalanine 659 with isoleucine.
Molecular consequence: missense variant. On other transcripts: intron variant (1).
Genome position (GRCh38, 1-based): chr2:32,249,889, A>T on the plus strand (T>A on the coding strand, the complement: NLRC4 is on the minus strand). VCF-style: chr2-32249889-A-T. GRCh37 (hg19) VCF-style: chr2-32474958-A-T.
Other names: c.1975T>A, p.Phe659Ile (NM_001199139.2, NM_021209.5); c.262+2530T>A (NM_001302504.1); short protein forms F659I.
Identifiers: ClinVar variation 4538381 (VCV004538381.1).

ClinVar aggregate classification (germline): Uncertain significance (1 of 4 stars; one submission).

Submission:

Greenwood Genetic Center Diagnostic Laboratories, Greenwood Genetic Center
Classification: Uncertain significance. Last evaluated: 2025-04-22. Review status: criteria provided, single submitter. Criteria: ACMG Guidelines, 2015. Collection method: clinical testing. Allele origin: germline. Affected: yes.
Comment: PM2, BP4